The following is an entry in ClinVar:

ClinVar aggregate classification (germline): Uncertain significance. Review status: criteria provided, multiple submitters, no conflicts (2 of 4 stars). 3 submissions from 2 submitters: Uncertain significance (3). Last evaluated 2022-04-16.

Conditions:
Seckel syndrome 5 (SCKL5). Identifiers: Orphanet 808, MedGen C3151187, MONDO:0013443, OMIM 613823.
Microcephaly 9, primary, autosomal recessive. Identifiers: Orphanet 2512, MedGen C3553886, MONDO:0013923, OMIM 614852.

Allele frequency attached by ClinVar (database versions not stated): gnomAD 0.00006 and 0.00016; TOPMed 0.00006; gnomAD exomes 0.00008; ExAC 0.00010.
gnomAD v4.1: 815 of 1,608,636 alleles (0.051%); highest among the groups gnomAD compares: East Asian, 1.8%; 13 homozygotes.

Submissions (3):

Labcorp Genetics (formerly Invitae), Labcorp
Classification: Uncertain significance. Last evaluated: 2022-04-16. Review status: criteria provided, single submitter. Criteria: Invitae Variant Classification Sherloc (09022015). Collection method: clinical testing. Allele origin: germline.
Comment: This sequence change replaces proline, which is neutral and non-polar, with alanine, which is neutral and non-polar, at codon 1187 of the CEP152 protein (p.Pro1187Ala). This variant is present in population databases (rs773013405, gnomAD 0.1%). This variant has not been reported in the literature in individuals affected with CEP152-related conditions. ClinVar contains an entry for this variant (Variation ID: 885945). Algorithms developed to predict the effect of missense changes on protein structure and function are either unavailable or do not agree on the potential impact of this missense change (SIFT: "Tolerated"; PolyPhen-2: "Possibly Damaging"; Align-GVGD: "Class C0"). In summary, the available evidence is currently insufficient to determine the role of this variant in disease. Therefore, it has been classified as a Variant of Uncertain Significance.

Illumina Laboratory Services, Illumina
Classification: Uncertain significance for Microcephaly 9, primary, autosomal recessive. Last evaluated: 2018-01-13. Review status: criteria provided, single submitter. Criteria: ICSL Variant Classification Criteria 13 December 2019. Collection method: clinical testing. Allele origin: germline.

Illumina Laboratory Services, Illumina
Classification: Uncertain significance for Seckel syndrome 5. Last evaluated: 2018-01-13. Review status: criteria provided, single submitter. Criteria: ICSL Variant Classification Criteria 13 December 2019. Collection method: clinical testing. Allele origin: germline.

NM_001194998.2(CEP152):c.3727C>G (p.Pro1243Ala)

Gene: CEP152 (centrosomal protein 152; minus strand). Cytogenetic location: 15q21.1.
Variant type: single nucleotide variant.
Coding change: c.3727C>G on transcript NM_001194998.2 (MANE Select); coding-DNA position 3727, C replaced by G.
Protein change: p.Pro1243Ala; replaces proline 1243 with alanine.
Molecular consequence: missense variant.
Genome position (GRCh38, 1-based): chr15:48,744,900, G>C on the plus strand (C>G on the coding strand, the complement: CEP152 is on the minus strand). VCF-style: chr15-48744900-G-C. GRCh37 (hg19) VCF-style: chr15-49037097-G-C.
Other names: c.3559C>G, p.Pro1187Ala (NM_014985.4); short protein forms P1187A, P1243A.
Identifiers: ClinVar variation 885945 (VCV000885945.6), dbSNP rs773013405, ClinGen allele CA7548304.